The following is an entry in ClinVar:

NM_006949.4(STXBP2):c.302C>T (p.Ala101Val)

Gene: STXBP2 (syntaxin binding protein 2; plus strand). Cytogenetic location: 19p13.2.
Variant type: single nucleotide variant.
Coding change: c.302C>T on transcript NM_006949.4 (MANE Select); coding-DNA position 302, C replaced by T.
Protein change: p.Ala101Val; replaces alanine 101 with valine.
Molecular consequence: missense variant. On other transcripts: non-coding transcript variant (1).
Genome position (GRCh38, 1-based): chr19:7,640,786, C>T. VCF-style: chr19-7640786-C-T. GRCh37 (hg19) VCF-style: chr19-7705672-C-T.
Other names: c.293C>T, p.Ala98Val (NM_001127396.3); c.335C>T, p.Ala112Val (NM_001272034.2); c.206C>T, p.Ala69Val (NM_001414484.1); short protein forms A69V, A101V, A112V, A98V.
Identifiers: ClinVar variation 1966032 (VCV001966032.4), dbSNP rs1266495988, ClinGen allele CA403157503.

ClinVar aggregate classification (germline): Uncertain significance (1 of 4 stars; one submission).

Conditions:
Familial hemophagocytic lymphohistiocytosis 5. Also called: STXBP2-Related Familial Hemophagocytic Lymphohistiocytosis (STXBP2-fHLH). Identifiers: Orphanet 540, MedGen C2751293, MONDO:0013135, OMIM 613101.

Allele frequency attached by ClinVar (database versions not stated): gnomAD exomes below 0.00001; TOPMed below 0.00001; gnomAD 0.00001.
gnomAD v4.1: 4 of 1,614,040 alleles (0.00025%); highest among the groups gnomAD compares: African/African-American, 0.0013%; no homozygotes.

Submission:

Labcorp Genetics (formerly Invitae), Labcorp
Classification: Uncertain significance for Familial hemophagocytic lymphohistiocytosis 5. Last evaluated: 2024-10-16. Review status: criteria provided, single submitter. Criteria: Invitae Variant Classification Sherloc (09022015). Collection method: clinical testing. Allele origin: germline.
Comment: This sequence change replaces alanine, which is neutral and non-polar, with valine, which is neutral and non-polar, at codon 101 of the STXBP2 protein (p.Ala101Val). This variant is not present in population databases (gnomAD no frequency). This variant has not been reported in the literature in individuals affected with STXBP2-related conditions. ClinVar contains an entry for this variant (Variation ID: 1966032). Invitae Evidence Modeling of protein sequence and biophysical properties (such as structural, functional, and spatial information, amino acid conservation, physicochemical variation, residue mobility, and thermodynamic stability) has been performed for this missense variant. However, the output from this modeling did not meet the statistical confidence thresholds required to predict the impact of this variant on STXBP2 protein function. In summary, the available evidence is currently insufficient to determine the role of this variant in disease. Therefore, it has been classified as a Variant of Uncertain Significance.